The following is an entry in ClinVar:

NM_018489.3(ASH1L):c.199A>G (p.Thr67Ala)

Gene: ASH1L (ASH1 like histone lysine methyltransferase; minus strand). Cytogenetic location: 1q22.
Variant type: single nucleotide variant.
Coding change: c.199A>G on transcript NM_018489.3 (MANE Select); coding-DNA position 199, A replaced by G.
Protein change: p.Thr67Ala; replaces threonine 67 with alanine.
Molecular consequence: missense variant.
Genome position (GRCh38, 1-based): chr1:155,521,321, T>C on the plus strand (A>G on the coding strand, the complement: ASH1L is on the minus strand). VCF-style: chr1-155521321-T-C. GRCh37 (hg19) VCF-style: chr1-155491112-T-C.
Other names: c.199A>G, p.Thr67Ala (NM_001366177.2); short protein forms T67A.
Identifiers: ClinVar variation 3345906 (VCV003345906.1).
Genomic context (GRCh38, chr1:155,521,321, plus strand): 5'-ATTTTAAATTTCCCTCTGAAAAGTTTGTTTCTTTCACTGAAAACTGTTGCTGTGCATCAG[T>C]CAAACCATCATCTTTCCCAGCTTCGATGTTTCTTTCTCGATTCCGTTTGCGAAGGTCCTC-3'
Protein context (NP_060959.2, residues 57-77): NIEAGKDDGL[Thr67Ala]DAQQQFSVKE

ClinVar aggregate classification (germline): Uncertain significance (0 of 4 stars; one submission).

Conditions:
ASH1L-related disorder. Also called: ASH1L-related condition.

gnomAD v4.1: 1 of 1,614,062 alleles (0.000062%); highest among the groups gnomAD compares: African/African-American, 0.0013%; no homozygotes.

Submission:

PreventionGenetics, part of Exact Sciences
Classification: Uncertain significance for ASH1L-related condition. Last evaluated: 2024-06-21. Review status: no assertion criteria provided. Collection method: clinical testing. Allele origin: germline.
Comment: The ASH1L c.199A>G variant is predicted to result in the amino acid substitution p.Thr67Ala. To our knowledge, this variant has not been reported in the literature. This variant is reported in 0.011% of alleles in individuals of African descent in gnomAD. At this time, the clinical significance of this variant is uncertain due to the absence of conclusive functional and genetic evidence.